The following is an entry in ClinVar:

NM_032444.4(SLX4):c.2132A>T (p.Tyr711Phe)

Gene: SLX4 (SLX4 structure-specific endonuclease subunit; minus strand). Cytogenetic location: 16p13.3.
Variant type: single nucleotide variant.
Coding change: c.2132A>T on transcript NM_032444.4 (MANE Select); coding-DNA position 2132, A replaced by T.
Protein change: p.Tyr711Phe; replaces tyrosine 711 with phenylalanine.
Molecular consequence: missense variant.
Genome position (GRCh38, 1-based): chr16:3,594,481, T>A on the plus strand (A>T on the coding strand, the complement: SLX4 is on the minus strand). VCF-style: chr16-3594481-T-A. GRCh37 (hg19) VCF-style: chr16-3644482-T-A.
Other names: short protein forms Y711F.
Identifiers: ClinVar variation 845922 (VCV000845922.7), dbSNP rs768477511, ClinGen allele CA7866284.
Genomic context (GRCh38, chr16:3,594,481, plus strand): 5'-AAAGGAGGGCACACGGCAGCCCACGTACTTACATACTGGATGAGGAGCGGGCATCGGGCA[T>A]AAAGCACGAACTTGTGGGCGTAAAGCACCTCCCCGCTGTCCGTCTGAAACTGGACATCAC-3'
Protein context (NP_115820.2, residues 701-721): EVLYAHKFVL[Tyr711Phe]ARCPLLIQYV

ClinVar aggregate classification (germline): Uncertain significance. Review status: criteria provided, multiple submitters, no conflicts (2 of 4 stars). 2 submissions from 2 submitters: Uncertain significance (2). Last evaluated 2022-05-12.

Conditions:
Fanconi anemia complementation group P. Also called: SLX4-Related Fanconi Anemia. Identifiers: Orphanet 84, MedGen C3469542, MONDO:0013499, OMIM 613951.
Fanconi anemia (FA). Also called: Fanconi's anemia. Identifiers: Orphanet 84, MedGen C0015625, MeSH D005199, MONDO:0019391.

Allele frequency attached by ClinVar (database versions not stated): gnomAD exomes below 0.00001; TOPMed below 0.00001; gnomAD 0.00001; ExAC 0.00002.

Submissions (2):

Fulgent Genetics
Classification: Uncertain significance for Fanconi anemia complementation group P. Last evaluated: 2022-05-12. Review status: criteria provided, single submitter. Criteria: ACMG Guidelines, 2015. Collection method: clinical testing. Allele origin: unknown.

Labcorp Genetics (formerly Invitae), Labcorp
Classification: Uncertain significance for Fanconi anemia. Last evaluated: 2021-10-24. Review status: criteria provided, single submitter. Criteria: Invitae Variant Classification Sherloc (09022015). Collection method: clinical testing. Allele origin: germline.
Comment: Algorithms developed to predict the effect of missense changes on protein structure and function are either unavailable or do not agree on the potential impact of this missense change (SIFT: "Deleterious"; PolyPhen-2: "Probably Damaging"; Align-GVGD: "Class C0"). In summary, the available evidence is currently insufficient to determine the role of this variant in disease. Therefore, it has been classified as a Variant of Uncertain Significance. This variant has not been reported in the literature in individuals affected with SLX4-related conditions. This sequence change replaces tyrosine with phenylalanine at codon 711 of the SLX4 protein (p.Tyr711Phe). The tyrosine residue is highly conserved and there is a small physicochemical difference between tyrosine and phenylalanine. This variant is present in population databases (rs768477511, ExAC 0.003%).